The following is an entry in ClinVar:

NM_001711.6(BGN):c.149T>G (p.Leu50Arg)

Gene: BGN (biglycan; plus strand). Cytogenetic location: Xq28.
Variant type: single nucleotide variant.
Coding change: c.149T>G on transcript NM_001711.6 (MANE Select); coding-DNA position 149, T replaced by G.
Protein change: p.Leu50Arg; replaces leucine 50 with arginine.
Molecular consequence: missense variant.
Genome position (GRCh38, 1-based): chrX:153,504,780, T>G. VCF-style: chrX-153504780-T-G. GRCh37 (hg19) VCF-style: chrX-152770238-T-G.
Other names: short protein forms L50R.
Identifiers: ClinVar variation 3614662 (VCV003614662.2).

ClinVar aggregate classification (germline): Uncertain significance (1 of 4 stars; one submission).

Submission:

Labcorp Genetics (formerly Invitae), Labcorp
Classification: Uncertain significance. Last evaluated: 2024-08-21. Review status: criteria provided, single submitter. Criteria: Invitae Variant Classification Sherloc (09022015). Collection method: clinical testing. Allele origin: germline.
Comment: This sequence change replaces leucine, which is neutral and non-polar, with arginine, which is basic and polar, at codon 50 of the BGN protein (p.Leu50Arg). This variant is not present in population databases (gnomAD no frequency). This variant has not been reported in the literature in individuals affected with BGN-related conditions. An algorithm developed to predict the effect of missense changes on protein structure and function (PolyPhen-2) suggests that this variant is likely to be tolerated. In summary, the available evidence is currently insufficient to determine the role of this variant in disease. Therefore, it has been classified as a Variant of Uncertain Significance.